The following is an entry in ClinVar:

NM_052876.4(NACC1):c.1282C>T (p.Arg428Cys)

Gene: NACC1 (nucleus accumbens associated 1; plus strand). Cytogenetic location: 19p13.13.
Variant type: single nucleotide variant.
Coding change: c.1282C>T on transcript NM_052876.4 (MANE Select); coding-DNA position 1282, C replaced by T.
Protein change: p.Arg428Cys; replaces arginine 428 with cysteine.
Molecular consequence: missense variant.
Genome position (GRCh38, 1-based): chr19:13,137,533, C>T. VCF-style: chr19-13137533-C-T. GRCh37 (hg19) VCF-style: chr19-13248347-C-T.
Other names: short protein forms R428C.
Identifiers: ClinVar variation 1707819 (VCV001707819.2), dbSNP rs774609733, ClinGen allele CA9238501.

ClinVar aggregate classification (germline): Uncertain significance (1 of 4 stars; one submission).

Allele frequency attached by ClinVar (database versions not stated): gnomAD exomes below 0.00001; gnomAD 0.00001; ExAC 0.00003.
gnomAD v4.1: 3 of 1,575,080 alleles (0.00019%); highest among the groups gnomAD compares: African/African-American, 0.0013%; no homozygotes.

Submission:

GeneDx
Classification: Uncertain significance. Last evaluated: 2022-04-01. Review status: criteria provided, single submitter. Criteria: GeneDx Variant Classification Process June 2021. Collection method: clinical testing. Allele origin: germline. Affected: yes.
Comment: In silico analysis supports that this missense variant does not alter protein structure/function; Has not been previously published as pathogenic or benign to our knowledge